The following is an entry in ClinVar:

NM_000552.5(VWF):c.3256del (p.Tyr1086fs)

Gene: VWF (von Willebrand factor; minus strand). Cytogenetic location: 12p13.31.
Variant type: Deletion.
Coding change: c.3256del on transcript NM_000552.5 (MANE Select); coding-DNA position 3256, one base deleted (T; older notation c.3256delT).
Protein change: p.Tyr1086fs; shifts the reading frame from tyrosine 1086.
Molecular consequence: frameshift variant.
Genome position (GRCh38, 1-based): chr12:6,023,754, A deleted on the plus strand (T on the coding strand, the reverse complement: VWF is on the minus strand); the first of 3 consecutive A bases (chr12:6,023,754-6,023,756); deleting any one gives the same sequence. VCF-style (leftmost placement, unchanged base first): chr12-6023753-TA-T. GRCh37 (hg19) VCF-style: chr12-6132919-TA-T.
Other names: c.3256delT (NM_000552.5); short protein forms Y1086fs.
Identifiers: ClinVar variation 3896583 (VCV003896583.2).

ClinVar aggregate classification (germline): Pathogenic (1 of 4 stars; one submission).

Conditions:
von Willebrand disorder (VWD). Also called: von Willebrand Diseases; Von Willebrand disease (hereditary or acquired); von Willebrand's disease. Identifiers: MedGen C0042974, MeSH D014842, MONDO:0024574.

Submission:

Women's Health and Genetics/Laboratory Corporation of America, LabCorp
Classification: Pathogenic for von Willebrand disorder. Last evaluated: 2025-04-28. Review status: criteria provided, single submitter. Criteria: LabCorp Variant Classification Summary - May 2015. Collection method: clinical testing. Allele origin: germline.
Comment: Variant summary: VWF c.3256delT (p.Tyr1086ThrfsX33) results in a premature termination codon, predicted to cause a truncation of the encoded protein or absence of the protein due to nonsense mediated decay, which are commonly known mechanisms for disease. The variant was absent in 247332 control chromosomes (gnomAD). To our knowledge, no occurrence of c.3256delT in individuals affected with Von Willebrand Disease and no experimental evidence demonstrating its impact on protein function have been reported. No submitters have cited clinical-significance assessments for this variant to ClinVar. Based on the evidence outlined above, the variant was classified as pathogenic.